The following is an entry in ClinVar:

ClinVar aggregate classification (germline): Benign (1 of 4 stars; one submission).

Conditions:
Neuronopathy, distal hereditary motor, autosomal recessive 4. Also called: Autosomal recessive lower motor neuron disease with childhood onset; NEUROPATHY, DISTAL HEREDITARY MOTOR, AUTOSOMAL RECESSIVE 4. Identifiers: Orphanet 206580, MedGen C1970211, MONDO:0012608, OMIM 611067.

Allele frequency attached by ClinVar (database versions not stated): 1000 Genomes Project 0.03135; gnomAD 0.01512 and 0.01642; TOPMed 0.01412.

Submission:

Illumina Laboratory Services, Illumina
Classification: Benign for Neuronopathy, distal hereditary motor, autosomal recessive 4. Last evaluated: 2018-01-12. Review status: criteria provided, single submitter. Criteria: ICSL Variant Classification Criteria 13 December 2019. Collection method: clinical testing. Allele origin: germline.
Comment: This variant was observed in the ICSL laboratory as part of a predisposition screen in an ostensibly healthy population. It had not been previously curated by ICSL or reported in the Human Gene Mutation Database (HGMD: prior to June 1st, 2018), and was therefore a candidate for classification through an automated scoring system. Utilizing variant allele frequency, disease prevalence and penetrance estimates, and inheritance mode, an automated score was calculated to assess if this variant is too frequent to cause the disease. Based on the score and internal cut-off values, a variant classified as benign is not then subjected to further curation. The score for this variant resulted in a classification of benign for this disease.

NM_020631.4(PLEKHG5):c.*765T>A

Gene: PLEKHG5 (pleckstrin homology and RhoGEF domain containing G5; minus strand). Cytogenetic location: 1p36.31.
Variant type: single nucleotide variant.
Coding change: c.*765T>A on transcript NM_020631.4; 765 bases downstream of the stop codon, T replaced by A.
Genome position (GRCh38, 1-based): chr1:6,466,798, A>T on the plus strand (T>A on the coding strand, the complement: PLEKHG5 is on the minus strand). VCF-style: chr1-6466798-A-T. GRCh37 (hg19) VCF-style: chr1-6526858-A-T.
Other names: c.*765T>A (NM_020631.3).
Identifiers: ClinVar variation 297923 (VCV000297923.7), dbSNP rs538175057, ClinGen allele CA10611556.